The following is an entry in ClinVar:

NM_001909.5(CTSD):c.262C>G (p.Pro88Ala)

Gene: CTSD (cathepsin D; minus strand). Cytogenetic location: 11p15.5.
Variant type: single nucleotide variant.
Coding change: c.262C>G on transcript NM_001909.5 (MANE Select); coding-DNA position 262, C replaced by G.
Protein change: p.Pro88Ala; replaces proline 88 with alanine.
Molecular consequence: missense variant.
Genome position (GRCh38, 1-based): chr11:1,759,606, G>C on the plus strand (C>G on the coding strand, the complement: CTSD is on the minus strand). VCF-style: chr11-1759606-G-C. GRCh37 (hg19) VCF-style: chr11-1780836-G-C.
Other names: p.P88A:CCC>GCC; short protein forms P88A.
Identifiers: ClinVar variation 205350 (VCV000205350.6), dbSNP rs796052400, ClinGen allele CA314342.
Genomic context (GRCh38, chr11:1,759,606, plus strand): 5'-TGGAGGGGACCCACAGGTTGGAGGAGCCCGTGTCGAAGACGACTGTGAAGCACTGGGGGG[G>C]CGTCCCGATGCCAATCTCCCCGTAGTACTGGGCCTGGCAGGGGACAGGGTCCGTCAGGGA-3'
Protein context (NP_001900.1, residues 78-98): QYYGEIGIGT[Pro88Ala]PQCFTVVFDT

ClinVar aggregate classification (germline): Conflicting classifications of pathogenicity. Review status: criteria provided, conflicting classifications (1 of 4 stars). 2 submissions from 2 submitters: Likely pathogenic (1); Uncertain significance (1). Last evaluated 2021-12-27.

Conditions:
Neuronal ceroid lipofuscinosis. Also called: Neuronal Ceroid Lipofuscinoses. Identifiers: Orphanet 216, Orphanet 79263, MedGen C0027877, MONDO:0016295. Disease mechanism: loss of function.

Submissions (2):

Labcorp Genetics (formerly Invitae), Labcorp
Classification: Uncertain significance for Neuronal ceroid lipofuscinosis. Last evaluated: 2021-12-27. Review status: criteria provided, single submitter. Criteria: Invitae Variant Classification Sherloc (09022015). Collection method: clinical testing. Allele origin: germline.
Comment: This variant is not present in population databases (gnomAD no frequency). In summary, the available evidence is currently insufficient to determine the role of this variant in disease. Therefore, it has been classified as a Variant of Uncertain Significance. Advanced modeling of protein sequence and biophysical properties (such as structural, functional, and spatial information, amino acid conservation, physicochemical variation, residue mobility, and thermodynamic stability) performed at Invitae indicates that this missense variant is expected to disrupt CTSD protein function. ClinVar contains an entry for this variant (Variation ID: 205350). This variant has not been reported in the literature in individuals affected with CTSD-related conditions. This sequence change replaces proline, which is neutral and non-polar, with alanine, which is neutral and non-polar, at codon 88 of the CTSD protein (p.Pro88Ala).

GeneDx
Classification: Likely pathogenic. Last evaluated: 2013-10-03. Review status: criteria provided, single submitter. Criteria: GeneDx Variant Classification (06012015). Collection method: clinical testing. Allele origin: germline. Affected: yes.
Comment: p.Pro88Ala (CCC>GCC): c.262 C>G in exon 3 of the CTSD gene (NM_001909.3). The Pro88Ala missense change has not been published as a mutation, nor has it been reported as a benign polymorphism to our knowledge. It was not observed in approximately 6,500 individuals of European and African American ancestry in the NHLBI Exome Sequencing Project, indicating it is not a common benign variant in these populations. This variant is a semi-conservative amino acid substitution as Proline and Alanine are both uncharged, non-polar amino acids; however, the removal of Proline, which has a unique ring structure, may affect the secondary structure of the protein. The variant alters a conserved position in the Cathepsin D light chain region of the protein, and in silico analysis predicts this variant is probably damaging to the protein structure/function. Therefore, based on the currently available information, Pro88Ala is a strong candidate for a disease-causing mutation, although the possibility that it is a benign variant cannot be excluded. The variant is found in ADULT-EPI panel(s).